The following is an entry in ClinVar:

ClinVar aggregate classification (germline): Uncertain significance (1 of 4 stars; one submission).

gnomAD v4.1: 19 of 1,614,186 alleles (0.0012%); highest among the groups gnomAD compares: South Asian, 0.0077%; no homozygotes.

Submission:

Labcorp Genetics (formerly Invitae), Labcorp
Classification: Uncertain significance. Last evaluated: 2025-09-20. Review status: criteria provided, single submitter. Criteria: Invitae Variant Classification Sherloc (09022015). Collection method: clinical testing. Allele origin: germline.
Comment: This sequence change replaces arginine, which is basic and polar, with glutamine, which is neutral and polar, at codon 109 of the ADCY10 protein (p.Arg109Gln). This variant is present in population databases (rs563436022, gnomAD 0.007%). This variant has not been reported in the literature in individuals affected with ADCY10-related conditions. An algorithm developed to predict the effect of missense changes on protein structure and function (PolyPhen-2) suggests that this variant is likely to be disruptive. Algorithms developed to predict the effect of sequence changes on RNA splicing suggest that this variant may disrupt the consensus splice site. In summary, the available evidence is currently insufficient to determine the role of this variant in disease. Therefore, it has been classified as a Variant of Uncertain Significance.

NM_018417.6(ADCY10):c.326G>A (p.Arg109Gln)

Genes: ADCY10 (adenylate cyclase 10; minus strand), DCAF6 (DDB1 and CUL4 associated factor 6; plus strand). Cytogenetic location: 1q24.2.
Variant type: single nucleotide variant.
Coding change: c.326G>A on transcript NM_018417.6 (MANE Select); coding-DNA position 326, G replaced by A.
Protein change: p.Arg109Gln; replaces arginine 109 with glutamine.
Molecular consequence: missense variant. On other transcripts: intron variant (1).
Genome position (GRCh38, 1-based): chr1:167,901,772, C>T on the plus strand (G>A on the coding strand, the complement: ADCY10 is on the minus strand). VCF-style: chr1-167901772-C-T. GRCh37 (hg19) VCF-style: chr1-167871010-C-T.
Other names: c.50G>A, p.Arg17Gln (NM_001297772.2); c.-24+244G>A (NM_001167749.3); short protein forms R17Q, R109Q.
Identifiers: ClinVar variation 4775073 (VCV004775073.1).